The following is an entry in ClinVar:

ClinVar aggregate classification (germline): Pathogenic (1 of 4 stars; one submission).

Conditions:
Combined immunodeficiency due to LRBA deficiency. Also called: Common variable immunodeficiency 8, with autoimmunity. Identifiers: Orphanet 445018, MedGen C3553512, MONDO:0013863, OMIM 614700.

Submission:

Labcorp Genetics (formerly Invitae), Labcorp
Classification: Pathogenic for Combined immunodeficiency due to LRBA deficiency. Last evaluated: 2024-03-11. Review status: criteria provided, single submitter. Criteria: Invitae Variant Classification Sherloc (09022015). Collection method: clinical testing. Allele origin: germline.
Comment: This sequence change creates a premature translational stop signal (p.Met711Aspfs*5) in the LRBA gene. It is expected to result in an absent or disrupted protein product. Loss-of-function variants in LRBA are known to be pathogenic (PMID: 26206937, 26768763). This variant is not present in population databases (gnomAD no frequency). This variant has not been reported in the literature in individuals affected with LRBA-related conditions. For these reasons, this variant has been classified as Pathogenic.

Literature cited by the submitters: PubMed 26206937; PubMed 26768763.

NM_001364905.1(LRBA):c.2131_2132del (p.Met711fs)

Gene: LRBA (LPS responsive beige-like anchor protein; minus strand). Cytogenetic location: 4q31.3.
Variant type: Deletion.
Coding change: c.2131_2132del on transcript NM_001364905.1 (MANE Select); coding-DNA positions 2131 to 2132, 2 bases deleted (AT; older notation c.2131_2132delAT).
Protein change: p.Met711fs; shifts the reading frame from methionine 711.
Molecular consequence: frameshift variant.
Genome position (GRCh38, 1-based): chr4:150,893,085-150,893,086, AT deleted on the plus strand (AT on the coding strand, the reverse complement: LRBA is on the minus strand); deleting any 2 consecutive bases within chr4:150,893,085-150,893,087 gives the same sequence; the c. name uses the placement nearest the transcript's 3' end. VCF-style (leftmost placement, unchanged base first): chr4-150893084-CAT-C. GRCh37 (hg19) VCF-style: chr4-151814236-CAT-C.
Other names: c.2130_2131delTA, p.Met711Aspfs (NM_001199282.3, NM_006726.5); c.2131_2132del, p.Met711fs (NM_001367550.1); short protein forms M711fs.
Identifiers: ClinVar variation 3637363 (VCV003637363.2).
Genomic context (GRCh38, chr4:150,893,084, plus strand): 5'-TTATATGAAATAGATTAAAAACTCTTACCGTAACCCATTCCTTTGGTCAAAAGCAGGAAT[CAT>C]AGAGTTAGGGTGTTCTGACATTAATGCAACAAGCAGCTGTAGGACATCCATTAGATTGTC-3'